The following is an entry in ClinVar:

ClinVar aggregate classification (germline): Uncertain significance. Review status: criteria provided, multiple submitters, no conflicts (2 of 4 stars). 3 submissions from 3 submitters: Uncertain significance (3). Last evaluated 2025-12-23.

Conditions:
Baller-Gerold syndrome (BGS). Also called: CRANIOSYNOSTOSIS WITH RADIAL DEFECTS. Identifiers: Orphanet 1225, MedGen C0265308, MONDO:0009039, OMIM 218600.
Inborn genetic diseases. Identifiers: MedGen C0950123, MeSH D030342.

Allele frequency attached by ClinVar (database versions not stated): TOPMed below 0.00001; ExAC 0.00001; gnomAD exomes 0.00001; gnomAD 0.00003.
gnomAD v4.1: 8 of 1,609,678 alleles (0.0005%); highest among the groups gnomAD compares: East Asian, 0.0067%; no homozygotes.

Submissions (3):

Labcorp Genetics (formerly Invitae), Labcorp
Classification: Uncertain significance for Baller-Gerold syndrome. Last evaluated: 2025-12-23. Review status: criteria provided, single submitter. Criteria: Invitae Variant Classification Sherloc (09022015). Collection method: clinical testing. Allele origin: germline.
Comment: This sequence change replaces methionine, which is neutral and non-polar, with isoleucine, which is neutral and non-polar, at codon 748 of the RECQL4 protein (p.Met748Ile). This variant is present in population databases (rs767427869, gnomAD 0.01%). This variant has not been reported in the literature in individuals affected with RECQL4-related conditions. ClinVar contains an entry for this variant (Variation ID: 665935). Invitae Evidence Modeling of protein sequence and biophysical properties (such as structural, functional, and spatial information, amino acid conservation, physicochemical variation, residue mobility, and thermodynamic stability) has been performed for this missense variant. However, the output from this modeling did not meet the statistical confidence thresholds required to predict the impact of this variant on RECQL4 protein function. In summary, the available evidence is currently insufficient to determine the role of this variant in disease. Therefore, it has been classified as a Variant of Uncertain Significance.

Ambry Genetics
Classification: Uncertain significance for Inborn genetic diseases. Last evaluated: 2024-11-20. Review status: criteria provided, single submitter. Criteria: Ambry Variant Classification Scheme 2023. Collection method: clinical testing. Allele origin: germline.
Comment: The p.M748I variant (also known as c.2244G>A), located in coding exon 14 of the RECQL4 gene, results from a G to A substitution at nucleotide position 2244. The methionine at codon 748 is replaced by isoleucine, an amino acid with highly similar properties. This amino acid position is conserved. In addition, the in silico prediction for this alteration is inconclusive. Based on the available evidence, the clinical significance of this variant remains unclear.

Blueprint Genetics
Classification: Uncertain significance. Last evaluated: 2023-01-16. Review status: criteria provided, single submitter. Criteria: ACMG Guidelines, 2015. Collection method: clinical testing. Allele origin: germline.

NM_004260.4(RECQL4):c.2244G>A (p.Met748Ile)

Gene: RECQL4 (RecQ like helicase 4; minus strand). Cytogenetic location: 8q24.3.
Variant type: single nucleotide variant.
Coding change: c.2244G>A on transcript NM_004260.4 (MANE Select); coding-DNA position 2244, G replaced by A.
Protein change: p.Met748Ile; replaces methionine 748 with isoleucine.
Molecular consequence: missense variant.
Genome position (GRCh38, 1-based): chr8:144,513,437, C>T on the plus strand (G>A on the coding strand, the complement: RECQL4 is on the minus strand). VCF-style: chr8-144513437-C-T. GRCh37 (hg19) VCF-style: chr8-145738821-C-T.
Other names: short protein forms M748I.
Identifiers: ClinVar variation 665935 (VCV000665935.11), dbSNP rs767427869, ClinGen allele CA4948366.